The following is an entry in ClinVar:

ClinVar aggregate classification (germline): Uncertain significance. Review status: criteria provided, multiple submitters, no conflicts (2 of 4 stars). 2 submissions from 2 submitters: Uncertain significance (2). Last evaluated 2025-12-08.

Conditions:
Hereditary cancer-predisposing syndrome. Also called: Neoplastic Syndromes, Hereditary; Tumor predisposition; Hereditary neoplastic syndrome; Hereditary Cancer Syndrome. Identifiers: Orphanet 140162, MedGen C0027672, MeSH D009386, MONDO:0015356.

Allele frequency attached by ClinVar (database versions not stated): gnomAD exomes below 0.00001.
gnomAD v4.1: 1 of 1,608,340 alleles (0.000062%); highest among the groups gnomAD compares: Non-Finnish European, 0.000085%; no homozygotes.

Submissions (2):

Labcorp Genetics (formerly Invitae), Labcorp
Classification: Uncertain significance for Hereditary cancer-predisposing syndrome. Last evaluated: 2025-12-08. Review status: criteria provided, single submitter. Criteria: Invitae Variant Classification Sherloc (09022015). Collection method: clinical testing. Allele origin: germline.
Comment: This sequence change replaces aspartic acid, which is acidic and polar, with valine, which is neutral and non-polar, at codon 69 of the RAD50 protein (p.Asp69Val). This variant is not present in population databases (gnomAD no frequency). This variant has not been reported in the literature in individuals affected with RAD50-related conditions. ClinVar contains an entry for this variant (Variation ID: 2699362). Invitae Evidence Modeling of protein sequence and biophysical properties (such as structural, functional, and spatial information, amino acid conservation, physicochemical variation, residue mobility, and thermodynamic stability) indicates that this missense variant is expected to disrupt RAD50 protein function with a positive predictive value of 80%. In summary, the available evidence is currently insufficient to determine the role of this variant in disease. Therefore, it has been classified as a Variant of Uncertain Significance.

Ambry Genetics
Classification: Uncertain significance for Hereditary cancer-predisposing syndrome. Last evaluated: 2025-03-31. Review status: criteria provided, single submitter. Criteria: Ambry Variant Classification Scheme 2023. Collection method: clinical testing. Allele origin: germline.
Comment: The p.D69V variant (also known as c.206A>T), located in coding exon 2 of the RAD50 gene, results from an A to T substitution at nucleotide position 206. The aspartic acid at codon 69 is replaced by valine, an amino acid with highly dissimilar properties. This amino acid position is conserved. In addition, this alteration is predicted to be deleterious by in silico analysis. Based on the available evidence, the clinical significance of this variant remains unclear.

NM_005732.4(RAD50):c.206A>T (p.Asp69Val)

Gene: RAD50 (RAD50 double strand break repair protein; plus strand). Cytogenetic location: 5q31.1.
Variant type: single nucleotide variant.
Coding change: c.206A>T on transcript NM_005732.4 (MANE Select); coding-DNA position 206, A replaced by T.
Protein change: p.Asp69Val; replaces aspartic acid 69 with valine.
Molecular consequence: missense variant.
Genome position (GRCh38, 1-based): chr5:132,559,360, A>T. VCF-style: chr5-132559360-A-T. GRCh37 (hg19) VCF-style: chr5-131895052-A-T.
Other names: c.206A>T (NM_005732.3); short protein forms D69V.
Identifiers: ClinVar variation 2699362 (VCV002699362.4), dbSNP rs1580976281, ClinGen allele CA360953811.